The following is an entry in ClinVar:

ClinVar aggregate classification (germline): Pathogenic (1 of 4 stars; one submission).

Conditions:
EGFR-related lung cancer (EGFR). Identifiers: MedGen CN130014.

Submission:

Labcorp Genetics (formerly Invitae), Labcorp
Classification: Pathogenic for EGFR-related lung cancer. Last evaluated: 2024-11-27. Review status: criteria provided, single submitter. Criteria: Invitae Variant Classification Sherloc (09022015). Collection method: clinical testing. Allele origin: germline.
Comment: This sequence change creates a premature translational stop signal (p.Trp477*) in the EGFR gene. It is expected to result in an absent or disrupted protein product. Loss-of-function variants in EGFR are known to be pathogenic (PMID: 7630400, 28726809, 29899996). This variant is not present in population databases (gnomAD no frequency). This variant has not been reported in the literature in individuals affected with EGFR-related conditions. Algorithms developed to predict the effect of sequence changes on RNA splicing suggest that this variant may disrupt the consensus splice site. For these reasons, this variant has been classified as Pathogenic.

Literature cited by the submitters: PubMed 7630400; PubMed 28726809; PubMed 29899996.

NM_005228.5(EGFR):c.1430G>A (p.Trp477Ter)

Gene: EGFR (epidermal growth factor receptor; plus strand). Cytogenetic location: 7p11.2.
Variant type: single nucleotide variant.
Coding change: c.1430G>A on transcript NM_005228.5 (MANE Select); coding-DNA position 1430, G replaced by A.
Protein change: p.Trp477Ter; replaces tryptophan 477 with a stop codon.
Molecular consequence: nonsense.
Genome position (GRCh38, 1-based): chr7:55,160,270, G>A. VCF-style: chr7-55160270-G-A. GRCh37 (hg19) VCF-style: chr7-55227963-G-A.
Other names: c.1295G>A, p.Trp432Ter (NM_001346897.2, NM_001346899.2); c.1430G>A, p.Trp477Ter (NM_001346898.2, NM_201282.2, NM_201284.2); c.1271G>A, p.Trp424Ter (NM_001346900.2); c.629G>A, p.Trp210Ter (NM_001346941.2); short protein forms W477*, W424*, W432*, W210*.
Identifiers: ClinVar variation 3726208 (VCV003726208.2).